The following is an entry in ClinVar:

ClinVar aggregate classification (germline): Uncertain significance (1 of 4 stars; one submission).

Conditions:
Gorlin syndrome. Also called: Nevoid Basal Cell Carcinoma Syndrome; Basal cell nevus syndrome. Identifiers: Orphanet 377, MedGen C0004779, MONDO:0007187.

Submission:

Labcorp Genetics (formerly Invitae), Labcorp
Classification: Uncertain significance for Gorlin syndrome. Last evaluated: 2023-07-17. Review status: criteria provided, single submitter. Criteria: Invitae Variant Classification Sherloc (09022015). Collection method: clinical testing. Allele origin: germline.
Comment: In summary, the available evidence is currently insufficient to determine the role of this variant in disease. Therefore, it has been classified as a Variant of Uncertain Significance. Advanced modeling of protein sequence and biophysical properties (such as structural, functional, and spatial information, amino acid conservation, physicochemical variation, residue mobility, and thermodynamic stability) performed at Invitae indicates that this missense variant is not expected to disrupt PTCH1 protein function. ClinVar contains an entry for this variant (Variation ID: 1501804). This variant has not been reported in the literature in individuals affected with PTCH1-related conditions. This variant is not present in population databases (gnomAD no frequency). This sequence change replaces alanine, which is neutral and non-polar, with glycine, which is neutral and non-polar, at codon 1373 of the PTCH1 protein (p.Ala1373Gly).

NM_000264.5(PTCH1):c.4118C>G (p.Ala1373Gly)

Gene: PTCH1 (patched 1; minus strand). Cytogenetic location: 9q22.32.
Variant type: single nucleotide variant.
Coding change: c.4118C>G on transcript NM_000264.5 (MANE Select); coding-DNA position 4118, C replaced by G.
Protein change: p.Ala1373Gly; replaces alanine 1373 with glycine.
Molecular consequence: missense variant. On other transcripts: non-coding transcript variant (1).
Genome position (GRCh38, 1-based): chr9:95,447,138, G>C on the plus strand (C>G on the coding strand, the complement: PTCH1 is on the minus strand). VCF-style: chr9-95447138-G-C. GRCh37 (hg19) VCF-style: chr9-98209420-G-C.
Other names: c.3920C>G, p.Ala1307Gly (NM_001083602.3); c.4115C>G, p.Ala1372Gly (NM_001083603.3); c.3665C>G, p.Ala1222Gly (NM_001083604.3, NM_001083605.3, NM_001083606.3 and 1 more transcripts); c.3962C>G, p.Ala1321Gly (NM_001354918.2); short protein forms A1307G, A1373G, A1222G, A1321G, A1372G.
Identifiers: ClinVar variation 1501804 (VCV001501804.8), dbSNP rs2136576006, ClinGen allele CA374110281.